The following is an entry in ClinVar:

NM_014806.5(RUSC2):c.953G>C (p.Gly318Ala)

Gene: RUSC2 (RUN and SH3 domain containing 2; plus strand). Cytogenetic location: 9p13.3.
Variant type: single nucleotide variant.
Coding change: c.953G>C on transcript NM_014806.5 (MANE Select); coding-DNA position 953, G replaced by C.
Protein change: p.Gly318Ala; replaces glycine 318 with alanine.
Molecular consequence: missense variant. On other transcripts: non-coding transcript variant (1), intron variant (1).
Genome position (GRCh38, 1-based): chr9:35,547,474, G>C. VCF-style: chr9-35547474-G-C. GRCh37 (hg19) VCF-style: chr9-35547471-G-C.
Other names: c.953G>C, p.Gly318Ala (NM_001135999.2); c.-620-7586G>C (NM_001330740.2); short protein forms G318A.
Identifiers: ClinVar variation 1716174 (VCV001716174.3), dbSNP rs765281972, ClinGen allele CA373329879.
Genomic context (GRCh38, chr9:35,547,474, plus strand): 5'-ATCTCAACTCTGCCCCACAGTCCTGCAGCGACTCTTCCTTCTGCAGCCACTCAGACCCTG[G>C]CGCCTTCTATCTGGATCTGCAGCCCTCCCCATTTGAGTCTAAGATGTCTTATGAGTCCCA-3'
Protein context (NP_055621.2, residues 308-328): DSSFCSHSDP[Gly318Ala]AFYLDLQPSP

ClinVar aggregate classification (germline): Uncertain significance (1 of 4 stars; one submission).

gnomAD v4.1: 2 of 1,614,156 alleles (0.00012%); highest among the groups gnomAD compares: African/African-American, 0.0027%; no homozygotes.

Submission:

Labcorp Genetics (formerly Invitae), Labcorp
Classification: Uncertain significance. Last evaluated: 2022-07-16. Review status: criteria provided, single submitter. Criteria: Invitae Variant Classification Sherloc (09022015). Collection method: clinical testing. Allele origin: germline.
Comment: This sequence change replaces glycine, which is neutral and non-polar, with alanine, which is neutral and non-polar, at codon 318 of the RUSC2 protein (p.Gly318Ala). This variant is not present in population databases (gnomAD no frequency). This variant has not been reported in the literature in individuals affected with RUSC2-related conditions. Algorithms developed to predict the effect of missense changes on protein structure and function are either unavailable or do not agree on the potential impact of this missense change (SIFT: "Deleterious"; PolyPhen-2: "Benign"; Align-GVGD: "Class C55"). In summary, the available evidence is currently insufficient to determine the role of this variant in disease. Therefore, it has been classified as a Variant of Uncertain Significance.